The following is an entry in ClinVar:

NM_001211.6(BUB1B):c.281A>C (p.Lys94Thr)

Gene: BUB1B (BUB1 mitotic checkpoint serine/threonine kinase B; plus strand). Cytogenetic location: 15q15.1.
Variant type: single nucleotide variant.
Coding change: c.281A>C on transcript NM_001211.6 (MANE Select); coding-DNA position 281, A replaced by C.
Protein change: p.Lys94Thr; replaces lysine 94 with threonine.
Molecular consequence: missense variant.
Genome position (GRCh38, 1-based): chr15:40,170,578, A>C. VCF-style: chr15-40170578-A-C. GRCh37 (hg19) VCF-style: chr15-40462779-A-C.
Other names: short protein forms K94T.
Identifiers: ClinVar variation 5033503 (VCV005033503.1).

ClinVar aggregate classification (germline): Uncertain significance (1 of 4 stars; one submission).

Conditions:
Inborn genetic diseases. Identifiers: MedGen C0950123, MeSH D030342.

Submission:

Ambry Genetics
Classification: Uncertain significance for Inborn genetic diseases. Last evaluated: 2026-06-18. Review status: criteria provided, single submitter. Criteria: Ambry Variant Classification Scheme 2023. Collection method: clinical testing. Allele origin: germline.
Comment: The p.K94T variant (also known as c.281A>C), located in coding exon 4 of the BUB1B gene, results from an A to C substitution at nucleotide position 281. The lysine at codon 94 is replaced by threonine, an amino acid with similar properties. This amino acid position is conserved. In addition, the in silico prediction for this alteration is inconclusive. Based on the available evidence, the clinical significance of this variant remains unclear.